The following is an entry in ClinVar:

ClinVar aggregate classification (germline): Uncertain significance. Review status: criteria provided, multiple submitters, no conflicts (2 of 4 stars). 2 submissions from 2 submitters: Uncertain significance (2). Last evaluated 2024-02-23.

Conditions:
Charcot-Marie-Tooth disease type 2. Also called: Charcot-Marie-Tooth type 2. Identifiers: Orphanet 64746, MedGen C0270914, MONDO:0018993.

gnomAD v4.1: 5 of 1,613,948 alleles (0.00031%); highest among the groups gnomAD compares: Non-Finnish European, 0.00042%; no homozygotes.

Submissions (2):

Athena Diagnostics
Classification: Uncertain significance. Last evaluated: 2024-02-23. Review status: criteria provided, single submitter. Criteria: Athena Diagnostics Criteria. Collection method: clinical testing. Allele origin: unknown.
Comment: Available data are insufficient to determine the clinical significance of the variant at this time. This variant has not been reported in large, multi-ethnic general populations. Computational tools yielded predictions that this variant may interfere with normal RNA splicing.

Labcorp Genetics (formerly Invitae), Labcorp
Classification: Uncertain significance for Charcot-Marie-Tooth disease type 2. Last evaluated: 2022-05-20. Review status: criteria provided, single submitter. Criteria: Invitae Variant Classification Sherloc (09022015). Collection method: clinical testing. Allele origin: germline.
Comment: In summary, the available evidence is currently insufficient to determine the role of this variant in disease. Therefore, it has been classified as a Variant of Uncertain Significance. Variants that disrupt the consensus splice site are a relatively common cause of aberrant splicing (PMID: 17576681, 9536098). Algorithms developed to predict the effect of sequence changes on RNA splicing suggest that this variant is not likely to affect RNA splicing. This variant has not been reported in the literature in individuals affected with BSCL2-related conditions. This variant is not present in population databases (gnomAD no frequency). This sequence change affects codon 146 of the BSCL2 mRNA. It is a 'silent' change, meaning that it does not change the encoded amino acid sequence of the BSCL2 protein. This variant also falls at the last nucleotide of exon 4, which is part of the consensus splice site for this exon.

Literature cited by the submitters: PubMed 17576681 (cited by Labcorp Genetics (formerly Invitae), Labcorp); PubMed 9536098 (cited by Labcorp Genetics (formerly Invitae), Labcorp).

NM_001122955.4(BSCL2):c.630G>T (p.Ser210=)

Genes: BSCL2 (BSCL2 lipid droplet biogenesis associated, seipin; minus strand), HNRNPUL2-BSCL2 (HNRNPUL2-BSCL2 readthrough (NMD candidate); minus strand). Cytogenetic location: 11q12.3.
Variant type: single nucleotide variant.
Coding change: c.630G>T on transcript NM_001122955.4 (MANE Select); coding-DNA position 630, G replaced by T.
Protein change: p.Ser210=; no amino-acid change (serine 210 retained).
Molecular consequence: synonymous variant. On other transcripts: non-coding transcript variant (1).
Genome position (GRCh38, 1-based): chr11:62,694,568, C>A on the plus strand (G>T on the coding strand, the complement: BSCL2 is on the minus strand). VCF-style: chr11-62694568-C-A. GRCh37 (hg19) VCF-style: chr11-62462040-C-A.
Other names: c.438G>T, p.Ser146= (NM_001130702.2, NM_032667.6); c.630G>T, p.Ser210= (NM_001386027.1, NM_001386028.1).
Identifiers: ClinVar variation 1902245 (VCV001902245.6), dbSNP rs150158560, ClinGen allele CA474868178.